The following is an entry in ClinVar:

ClinVar aggregate classification (germline): Uncertain significance (1 of 4 stars; one submission).

Submission:

GeneDx
Classification: Uncertain significance. Last evaluated: 2024-06-17. Review status: criteria provided, single submitter. Criteria: GeneDx Variant Classification Process June 2021. Collection method: clinical testing. Allele origin: germline. Affected: yes.
Comment: Not observed at significant frequency in large population cohorts (gnomAD); In silico analysis supports that this missense variant has a deleterious effect on protein structure/function; Has not been previously published as pathogenic or benign to our knowledge

NM_000257.4(MYH7):c.4799C>T (p.Ser1600Phe)

Genes: MHRT (myosin heavy chain associated RNA transcript; plus strand), MYH7 (myosin heavy chain 7; minus strand), LOC126861897 (BRD4-independent group 4 enhancer GRCh37_chr14:23884455-23885654; plus strand). Cytogenetic location: 14q11.2.
Variant type: single nucleotide variant.
Coding change: c.4799C>T on transcript NM_000257.4 (MANE Select); coding-DNA position 4799, C replaced by T.
Protein change: p.Ser1600Phe; replaces serine 1600 with phenylalanine.
Molecular consequence: missense variant. On other transcripts: non-coding transcript variant (1).
Genome position (GRCh38, 1-based): chr14:23,416,158, G>A on the plus strand (C>T on the coding strand, the complement: MYH7 is on the minus strand). VCF-style: chr14-23416158-G-A. GRCh37 (hg19) VCF-style: chr14-23885367-G-A.
Other names: c.4799C>T, p.Ser1600Phe (NM_001407004.1); short protein forms S1600F.
Identifiers: ClinVar variation 1710680 (VCV001710680.3), dbSNP rs2502245182, ClinGen allele CA389037608.
Genomic context (GRCh38, chr14:23,416,158, plus strand): 5'-CCTTCCATCTTCTTCTTCACCCTCAGGGCCTCGTTGCGGCTGCGTGTCTCTGCGTCCAGG[G>A]AGGTCTGCAGCGAGTCCACCACCCGCAGGTGGTTGCGCTTGGCCTGTTCCATCTCCTCGT-3'
Protein context (NP_000248.2, residues 1590-1610): HLRVVDSLQT[Ser1600Phe]LDAETRSRNE